The following is an entry in ClinVar:

NM_003737.4(DCHS1):c.1270G>T (p.Val424Leu)

Gene: DCHS1 (dachsous cadherin-related 1; minus strand). Cytogenetic location: 11p15.4.
Variant type: single nucleotide variant.
Coding change: c.1270G>T on transcript NM_003737.4 (MANE Select); coding-DNA position 1270, G replaced by T.
Protein change: p.Val424Leu; replaces valine 424 with leucine.
Molecular consequence: missense variant.
Genome position (GRCh38, 1-based): chr11:6,640,344, C>A on the plus strand (G>T on the coding strand, the complement: DCHS1 is on the minus strand). VCF-style: chr11-6640344-C-A. GRCh37 (hg19) VCF-style: chr11-6661575-C-A.
Other names: short protein forms V424L.
Identifiers: ClinVar variation 1897221 (VCV001897221.5), dbSNP rs759938374, ClinGen allele CA5860998.
Genomic context (GRCh38, chr11:6,640,344, plus strand): 5'-CTGTAACCCTCAAGTTATAGGCATCCCTCTCCTCTCGATCCAGCCGCCGAGCCACACACA[C>A]CAGATAGATGACGCTGTCTTGGGTGCTTAGGGCAAAGTGGCCCTCTCCACCTTCCAGGGA-3'
Protein context (NP_003728.1, residues 414-434): LSTQDSVIYL[Val424Leu]CVARRLDREE

ClinVar aggregate classification (germline): Uncertain significance (1 of 4 stars; one submission).

gnomAD v4.1: 20 of 1,612,622 alleles (0.0012%); highest among the groups gnomAD compares: Non-Finnish European, 0.0016%; no homozygotes.

Submission:

Labcorp Genetics (formerly Invitae), Labcorp
Classification: Uncertain significance. Last evaluated: 2024-08-06. Review status: criteria provided, single submitter. Criteria: Invitae Variant Classification Sherloc (09022015). Collection method: clinical testing. Allele origin: germline.
Comment: This sequence change replaces valine, which is neutral and non-polar, with leucine, which is neutral and non-polar, at codon 424 of the DCHS1 protein (p.Val424Leu). This variant is not present in population databases (gnomAD no frequency). This variant has not been reported in the literature in individuals affected with DCHS1-related conditions. ClinVar contains an entry for this variant (Variation ID: 1897221). Advanced modeling of protein sequence and biophysical properties (such as structural, functional, and spatial information, amino acid conservation, physicochemical variation, residue mobility, and thermodynamic stability) performed at Invitae indicates that this missense variant is not expected to disrupt DCHS1 protein function with a negative predictive value of 80%. In summary, the available evidence is currently insufficient to determine the role of this variant in disease. Therefore, it has been classified as a Variant of Uncertain Significance.